The following is an entry in ClinVar:

NM_139343.3(BIN1):c.737C>T (p.Ala246Val)

Gene: BIN1 (bridging integrator 1; minus strand). Cytogenetic location: 2q14.3.
Variant type: single nucleotide variant.
Coding change: c.737C>T on transcript NM_139343.3 (MANE Select); coding-DNA position 737, C replaced by T.
Protein change: p.Ala246Val; replaces alanine 246 with valine.
Molecular consequence: missense variant.
Genome position (GRCh38, 1-based): chr2:127,063,608, G>A on the plus strand (C>T on the coding strand, the complement: BIN1 is on the minus strand). VCF-style: chr2-127063608-G-A. GRCh37 (hg19) VCF-style: chr2-127821184-G-A.
Other names: c.737C>T, p.Ala246Val (NM_139345.3, NM_001320633.2, NM_001320640.2 and 1 more transcripts); c.644C>T, p.Ala215Val (NM_139346.3, NM_139347.3, NM_139348.3 and 6 more transcripts); c.572C>T, p.Ala191Val (NM_001320634.1); c.656C>T, p.Ala219Val (NM_001320642.1); short protein forms A215V, A191V, A219V, A246V.
Identifiers: ClinVar variation 2913908 (VCV002913908.3), dbSNP rs375697182, ClinGen allele CA1857351.

ClinVar aggregate classification (germline): Uncertain significance (1 of 4 stars; one submission).

Conditions:
Myopathy, centronuclear, 2 (CNM2). Also called: MYOTUBULAR MYOPATHY, AUTOSOMAL RECESSIVE. Identifiers: Orphanet 169186, MedGen CN031787, MONDO:0009709, OMIM 255200.

Allele frequency attached by ClinVar (database versions not stated): TOPMed 0.00001; gnomAD 0.00002; ExAC 0.00003; ESP Exome Variant Server 0.00008.
gnomAD v4.1: 31 of 1,613,802 alleles (0.0019%); highest among the groups gnomAD compares: South Asian, 0.0055%; no homozygotes.

Submission:

Labcorp Genetics (formerly Invitae), Labcorp
Classification: Uncertain significance for Myopathy, centronuclear, 2. Last evaluated: 2025-07-30. Review status: criteria provided, single submitter. Criteria: Invitae Variant Classification Sherloc (09022015). Collection method: clinical testing. Allele origin: germline.
Comment: This sequence change replaces alanine, which is neutral and non-polar, with valine, which is neutral and non-polar, at codon 246 of the BIN1 protein (p.Ala246Val). This variant is present in population databases (rs375697182, gnomAD 0.006%). This variant has not been reported in the literature in individuals affected with BIN1-related conditions. ClinVar contains an entry for this variant (Variation ID: 2913908). Invitae Evidence Modeling of protein sequence and biophysical properties (such as structural, functional, and spatial information, amino acid conservation, physicochemical variation, residue mobility, and thermodynamic stability) indicates that this missense variant is expected to disrupt BIN1 protein function with a positive predictive value of 80%. In summary, the available evidence is currently insufficient to determine the role of this variant in disease. Therefore, it has been classified as a Variant of Uncertain Significance.